The following is an entry in ClinVar:

NM_015311.3(OBSL1):c.3817G>A (p.Glu1273Lys)

Gene: OBSL1 (obscurin like cytoskeletal adaptor 1; minus strand). Cytogenetic location: 2q35.
Variant type: single nucleotide variant.
Coding change: c.3817G>A on transcript NM_015311.3 (MANE Select); coding-DNA position 3817, G replaced by A.
Protein change: p.Glu1273Lys; replaces glutamic acid 1273 with lysine.
Molecular consequence: missense variant.
Genome position (GRCh38, 1-based): chr2:219,557,592, C>T on the plus strand (G>A on the coding strand, the complement: OBSL1 is on the minus strand). VCF-style: chr2-219557592-C-T. GRCh37 (hg19) VCF-style: chr2-220422314-C-T.
Other names: c.3817G>A, p.Glu1273Lys (NM_001173431.2); c.3817G>A (NM_015311.2); short protein forms E1273K.
Identifiers: ClinVar variation 1477985 (VCV001477985.4), dbSNP rs756778521, ClinGen allele CA2130737.
Genomic context (GRCh38, chr2:219,557,592, plus strand): 5'-GGTGCACCACCAGCTCTAGGTCCCCGCCTGGGGTGCTCCGAACCCTCGTCTGGGCTGCCT[C>T]GGGAGCTACCACCCGCACAGGGGGCTCTGTGGAGTCAGAGCTGGAGGTCACTGGGAGGGA-3'
Protein context (NP_056126.1, residues 1263-1283): AEPPVRVVAP[Glu1273Lys]AAQTRVRSTP

ClinVar aggregate classification (germline): Uncertain significance. Review status: criteria provided, multiple submitters, no conflicts (2 of 4 stars). 2 submissions from 2 submitters: Uncertain significance (2). Last evaluated 2023-11-21.

Conditions:
Inborn genetic diseases. Identifiers: MedGen C0950123, MeSH D030342.

Allele frequency attached by ClinVar (database versions not stated): gnomAD 0.00009 and 0.00010; ExAC 0.00016; TOPMed 0.00021.
gnomAD v4.1: 62 of 1,545,518 alleles (0.004%); highest among the groups gnomAD compares: Admixed American, 0.036%; no homozygotes.

Submissions (2):

Ambry Genetics
Classification: Uncertain significance for Inborn genetic diseases. Last evaluated: 2023-11-21. Review status: criteria provided, single submitter. Criteria: Ambry Variant Classification Scheme 2023. Collection method: clinical testing. Allele origin: germline.

Labcorp Genetics (formerly Invitae), Labcorp
Classification: Uncertain significance. Last evaluated: 2021-12-01. Review status: criteria provided, single submitter. Criteria: Invitae Variant Classification Sherloc (09022015). Collection method: clinical testing. Allele origin: germline.
Comment: This sequence change replaces glutamic acid, which is acidic and polar, with lysine, which is basic and polar, at codon 1273 of the OBSL1 protein (p.Glu1273Lys). This variant is present in population databases (rs756778521, gnomAD 0.02%). This variant has not been reported in the literature in individuals affected with OBSL1-related conditions. Algorithms developed to predict the effect of missense changes on protein structure and function are either unavailable or do not agree on the potential impact of this missense change (SIFT: "Tolerated"; PolyPhen-2: "Probably Damaging"; Align-GVGD: "Class C0"). In summary, the available evidence is currently insufficient to determine the role of this variant in disease. Therefore, it has been classified as a Variant of Uncertain Significance.